The following is an entry in ClinVar:

NM_001365896.1(NACA):c.3255G>A (p.Ala1085=)

Gene: NACA (nascent polypeptide associated complex subunit alpha; minus strand). Cytogenetic location: 12q13.3.
Variant type: single nucleotide variant.
Coding change: c.3255G>A on transcript NM_001365896.1 (MANE Select); coding-DNA position 3255, G replaced by A.
Protein change: p.Ala1085=; no amino-acid change (alanine 1085 retained).
Molecular consequence: synonymous variant. On other transcripts: intron variant (6).
Genome position (GRCh38, 1-based): chr12:56,718,275, C>T on the plus strand (G>A on the coding strand, the complement: NACA is on the minus strand). VCF-style: chr12-56718275-C-T. GRCh37 (hg19) VCF-style: chr12-57112059-C-T.
Other names: c.71-3588G>A (NM_001113202.2, NM_001320194.2, NM_001320193.2 and 2 more transcripts); c.1864+1262G>A (NM_001113203.3).
Identifiers: ClinVar variation 4681398 (VCV004681398.5).

ClinVar aggregate classification (germline): Likely benign (1 of 4 stars; one submission).

Submission:

CeGaT Center for Human Genetics Tuebingen
Classification: Likely benign. Last evaluated: 2025-12-01. Review status: criteria provided, single submitter. Criteria: CeGaT Center For Human Genetics Tuebingen Variant Classification Criteria Version 2. Collection method: clinical testing. Allele origin: germline. Affected: yes. Observed: 1 variant allele.
Comment: NACA: BP4, BP7